The following is an entry in ClinVar:

NM_000492.4(CFTR):c.3776G>C (p.Arg1259Thr)

Genes: CFTR (CF transmembrane conductance regulator; plus strand), CFTR-AS2 (CFTR antisense RNA 2; minus strand). Cytogenetic location: 7q31.2.
Variant type: single nucleotide variant.
Coding change: c.3776G>C on transcript NM_000492.4 (MANE Select); coding-DNA position 3776, G replaced by C.
Protein change: p.Arg1259Thr; replaces arginine 1259 with threonine.
Molecular consequence: missense variant.
Genome position (GRCh38, 1-based): chr7:117,642,496, G>C. VCF-style: chr7-117642496-G-C. GRCh37 (hg19) VCF-style: chr7-117282550-G-C.
Other names: c.3776G>C (NM_000492.3); short protein forms R1259T.
Identifiers: ClinVar variation 1394138 (VCV001394138.5), dbSNP rs1470171438, ClinGen allele CA368974774.

ClinVar aggregate classification (germline): Uncertain significance. Review status: criteria provided, multiple submitters, no conflicts (2 of 4 stars). 3 submissions from 3 submitters: Uncertain significance (3). Last evaluated 2024-01-31.

Conditions:
Cystic fibrosis (CF). Also called: MUCOVISCIDOSIS. Identifiers: Orphanet 586, MedGen C0010674, MONDO:0009061, OMIM 219700. Disease mechanism: loss of function.

Allele frequency attached by ClinVar (database versions not stated): gnomAD exomes below 0.00001.

Submissions (3):

Ambry Genetics
Classification: Uncertain significance for Cystic fibrosis. Last evaluated: 2024-01-31. Review status: criteria provided, single submitter. Criteria: Ambry Variant Classification Scheme 2023. Collection method: clinical testing. Allele origin: germline.
Comment: The p.R1259T variant (also known as c.3776G>C), located in coding exon 23 of the CFTR gene, results from a G to C substitution at nucleotide position 3776. The arginine at codon 1259 is replaced by threonine, an amino acid with similar properties. This amino acid position is conserved. In addition, this alteration is predicted to be deleterious by in silico analysis. Based on the available evidence, the clinical significance of this alteration remains unclear.

Institute of Human Genetics, University of Leipzig Medical Center
Classification: Uncertain significance for Cystic fibrosis. Last evaluated: 2022-09-05. Review status: criteria provided, single submitter. Criteria: ACMG Guidelines, 2015. Collection method: curation. Allele origin: unknown. Affected: yes. Observed: 1 variant allele.
Comment: The variant was classified in the context of a project re-classifying variants in the German Cystic Fibrosis Registry (Muko.e.V.). Criteria applied: PM2_SUP, PP3

Labcorp Genetics (formerly Invitae), Labcorp
Classification: Uncertain significance for Cystic fibrosis. Last evaluated: 2021-09-25. Review status: criteria provided, single submitter. Criteria: Invitae Variant Classification Sherloc (09022015). Collection method: clinical testing. Allele origin: germline.
Comment: This sequence change replaces arginine with threonine at codon 1259 of the CFTR protein (p.Arg1259Thr). The arginine residue is highly conserved and there is a moderate physicochemical difference between arginine and threonine. This variant is not present in population databases (ExAC no frequency). This variant has not been reported in the literature in individuals affected with CFTR-related conditions. Algorithms developed to predict the effect of missense changes on protein structure and function are either unavailable or do not agree on the potential impact of this missense change (SIFT: "Tolerated"; PolyPhen-2: "Probably Damaging"; Align-GVGD: "Class C0"). In summary, the available evidence is currently insufficient to determine the role of this variant in disease. Therefore, it has been classified as a Variant of Uncertain Significance.